The following continues an entry in ClinVar:

NM_005908.4(MANBA):c.1705-13C>A

Gene: MANBA. ClinVar aggregate classification (germline): Benign. Benign (5).

Submissions 30 to 45 of 45:

Dr. Peter K. Rogan Lab, Western University
No classification provided (evidence only). Condition: Familial pancreatic carcinoma. Review status: no classification provided. Collection method: in vitro. Allele origin: not applicable. Functional consequence: retained intron. Not counted in ClinVar's aggregate classification.

Dr. Peter K. Rogan Lab, Western University
No classification provided (evidence only). Condition: Familial pancreatic carcinoma. Review status: no classification provided. Collection method: in vitro. Allele origin: not applicable. Functional consequence: retained intron. Not counted in ClinVar's aggregate classification.

Dr. Peter K. Rogan Lab, Western University
No classification provided (evidence only). Condition: Familial pancreatic carcinoma. Review status: no classification provided. Collection method: in vitro. Allele origin: not applicable. Functional consequence: retained intron. Not counted in ClinVar's aggregate classification.

Dr. Peter K. Rogan Lab, Western University
No classification provided (evidence only). Condition: Familial pancreatic carcinoma. Review status: no classification provided. Collection method: in vitro. Allele origin: not applicable. Functional consequence: retained intron. Not counted in ClinVar's aggregate classification.

Dr. Peter K. Rogan Lab, Western University
No classification provided (evidence only). Condition: Familial pancreatic carcinoma. Review status: no classification provided. Collection method: in vitro. Allele origin: not applicable. Functional consequence: retained intron. Not counted in ClinVar's aggregate classification.

Dr. Peter K. Rogan Lab, Western University
No classification provided (evidence only). Condition: Familial pancreatic carcinoma. Review status: no classification provided. Collection method: in vitro. Allele origin: not applicable. Functional consequence: retained intron. Not counted in ClinVar's aggregate classification.

Dr. Peter K. Rogan Lab, Western University
No classification provided (evidence only). Condition: Familial pancreatic carcinoma. Review status: no classification provided. Collection method: in vitro. Allele origin: not applicable. Functional consequence: skipped exon. Not counted in ClinVar's aggregate classification.

Dr. Peter K. Rogan Lab, Western University
No classification provided (evidence only). Condition: Lymphoma. Review status: no classification provided. Collection method: in vitro. Allele origin: not applicable. Functional consequence: retained intron. Not counted in ClinVar's aggregate classification.

Dr. Peter K. Rogan Lab, Western University
No classification provided (evidence only). Condition: Lymphoma. Review status: no classification provided. Collection method: in vitro. Allele origin: not applicable. Functional consequence: retained intron. Not counted in ClinVar's aggregate classification.

Dr. Peter K. Rogan Lab, Western University
No classification provided (evidence only). Condition: Lymphoma. Review status: no classification provided. Collection method: in vitro. Allele origin: not applicable. Functional consequence: retained intron. Not counted in ClinVar's aggregate classification.

Dr. Peter K. Rogan Lab, Western University
No classification provided (evidence only). Condition: Lymphoma. Review status: no classification provided. Collection method: in vitro. Allele origin: not applicable. Functional consequence: retained intron. Not counted in ClinVar's aggregate classification.

Dr. Peter K. Rogan Lab, Western University
No classification provided (evidence only). Condition: Lymphoma. Review status: no classification provided. Collection method: in vitro. Allele origin: not applicable. Functional consequence: retained intron. Not counted in ClinVar's aggregate classification.

Dr. Peter K. Rogan Lab, Western University
No classification provided (evidence only). Condition: Lymphoma. Review status: no classification provided. Collection method: in vitro. Allele origin: not applicable. Functional consequence: retained intron. Not counted in ClinVar's aggregate classification.

Dr. Peter K. Rogan Lab, Western University
No classification provided (evidence only). Condition: Ovarian cancer. Review status: no classification provided. Collection method: in vitro. Allele origin: not applicable. Functional consequence: retained intron. Not counted in ClinVar's aggregate classification.

Dr. Peter K. Rogan Lab, Western University
No classification provided (evidence only). Condition: Ovarian cancer. Review status: no classification provided. Collection method: in vitro. Allele origin: not applicable. Functional consequence: retained intron. Not counted in ClinVar's aggregate classification.

Dr. Peter K. Rogan Lab, Western University
No classification provided (evidence only). Condition: Ovarian cancer. Review status: no classification provided. Collection method: in vitro. Allele origin: not applicable. Functional consequence: retained intron. Not counted in ClinVar's aggregate classification.